The following is an entry in ClinVar:

NM_017617.5(NOTCH1):c.1619G>A (p.Gly540Asp)

Gene: NOTCH1 (notch receptor 1; minus strand). Cytogenetic location: 9q34.3.
Variant type: single nucleotide variant.
Coding change: c.1619G>A on transcript NM_017617.5 (MANE Select); coding-DNA position 1619, G replaced by A.
Protein change: p.Gly540Asp; replaces glycine 540 with aspartic acid.
Molecular consequence: missense variant.
Genome position (GRCh38, 1-based): chr9:136,516,031, C>T on the plus strand (G>A on the coding strand, the complement: NOTCH1 is on the minus strand). VCF-style: chr9-136516031-C-T. GRCh37 (hg19) VCF-style: chr9-139410483-C-T.
Other names: short protein forms G540D.
Identifiers: ClinVar variation 1311561 (VCV001311561.8), dbSNP rs767618789, ClinGen allele CA5341702.

ClinVar aggregate classification (germline): Conflicting classifications of pathogenicity. Review status: criteria provided, conflicting classifications (1 of 4 stars). 2 submissions from 2 submitters: Uncertain significance (1); Likely benign (1). Last evaluated 2024-07-30.

Conditions:
Adams-Oliver syndrome 5 (AOS5). Identifiers: Orphanet 974, MedGen C4014970, MONDO:0014459, OMIM 616028.

Allele frequency attached by ClinVar (database versions not stated): TOPMed below 0.00001; ExAC 0.00001; gnomAD 0.00001; gnomAD exomes 0.00001.
gnomAD v4.1: 20 of 1,612,176 alleles (0.0012%); highest among the groups gnomAD compares: Admixed American, 0.0033%; no homozygotes.

Submissions (2):

Labcorp Genetics (formerly Invitae), Labcorp
Classification: Likely benign for Adams-Oliver syndrome 5. Last evaluated: 2024-07-30. Review status: criteria provided, single submitter. Criteria: Invitae Variant Classification Sherloc (09022015). Collection method: clinical testing. Allele origin: germline.

GeneDx
Classification: Uncertain significance. Last evaluated: 2023-02-01. Review status: criteria provided, single submitter. Criteria: GeneDx Variant Classification Process June 2021. Collection method: clinical testing. Allele origin: germline. Affected: yes.
Comment: Identified in a patient with bicuspid aortic valve in the published literature (Pileggi et al., 2019); however, familial segregation information and in vitro functional studies were not included and it is unknown whether this individual was screened for variants in other genes associated with bicuspid aortic valve; Not observed at a significant frequency in large population cohorts (gnomAD); In silico analysis, which includes protein predictors and evolutionary conservation, supports a deleterious effect; This variant is associated with the following publications: (PMID: 31330235)